The following is an entry in ClinVar:

ClinVar aggregate classification (germline): Uncertain significance (1 of 4 stars; one submission).

Conditions:
Cowden syndrome (CS). Also called: Cowden's disease; Cowden's syndrome; Cowden disease. Identifiers: Orphanet 201, MedGen C0018553, MONDO:0016063. Disease mechanism: gain of function.

Submission:

Labcorp Genetics (formerly Invitae), Labcorp
Classification: Uncertain significance for Cowden syndrome. Last evaluated: 2021-08-24. Review status: criteria provided, single submitter. Criteria: Invitae Variant Classification Sherloc (09022015). Collection method: clinical testing. Allele origin: germline.
Comment: This sequence change replaces glutamic acid with glutamine at codon 52 of the PIK3CA protein (p.Glu52Gln). The glutamic acid residue is highly conserved and there is a small physicochemical difference between glutamic acid and glutamine. This variant is not present in population databases (ExAC no frequency). This variant has not been reported in the literature in individuals affected with PIK3CA-related conditions. ClinVar contains an entry for this variant (Variation ID: 456530). Algorithms developed to predict the effect of missense changes on protein structure and function are either unavailable or do not agree on the potential impact of this missense change (SIFT: "Deleterious"; PolyPhen-2: "Probably Damaging"; Align-GVGD: "Class C0"). In summary, the available evidence is currently insufficient to determine the role of this variant in disease. Therefore, it has been classified as a Variant of Uncertain Significance.

NM_006218.4(PIK3CA):c.154G>C (p.Glu52Gln)

Gene: PIK3CA (phosphatidylinositol-4,5-bisphosphate 3-kinase catalytic subunit alpha; plus strand). Cytogenetic location: 3q26.32.
Variant type: single nucleotide variant.
Coding change: c.154G>C on transcript NM_006218.4 (MANE Select); coding-DNA position 154, G replaced by C.
Protein change: p.Glu52Gln; replaces glutamic acid 52 with glutamine.
Molecular consequence: missense variant.
Genome position (GRCh38, 1-based): chr3:179,198,979, G>C. VCF-style: chr3-179198979-G-C. GRCh37 (hg19) VCF-style: chr3-178916767-G-C.
Other names: c.154G>C (LRG_310t1); short protein forms E52Q.
Identifiers: ClinVar variation 456530 (VCV000456530.8), dbSNP rs1553820355, ClinGen allele CA355271373.